The following is an entry in ClinVar:

NM_001387430.1(SH2B1):c.1898-248del

Gene: SH2B1 (SH2B adaptor protein 1; plus strand). Cytogenetic location: 16p11.2.
Variant type: Deletion.
Coding change: c.1898-248del on transcript NM_001387430.1 (MANE Select); 248 bases into the intron before coding-DNA position 1898, one base deleted (G; older notation c.1898-248delG).
Molecular consequence: intron variant. On other transcripts: frameshift variant (5).
Genome position (GRCh38, 1-based): chr16:28,873,199, G deleted; the last of 5 consecutive G bases (chr16:28,873,195-28,873,199); deleting any one gives the same sequence. VCF-style (leftmost placement, unchanged base first): chr16-28873194-CG-C. GRCh37 (hg19) VCF-style: chr16-28884515-CG-C.
Other names: c.1927del, p.Val643fs (NM_001145796.2, NM_001145812.2, NM_015503.3); c.1980del, p.Cys661fs (NM_001145797.2); c.919del, p.Val307fs (NM_001308294.2); c.1898-248del (NM_001308293.2, NM_001387404.1, NM_001145795.2); short protein forms V643fs, V307fs, C661fs.
Identifiers: ClinVar variation 4978725 (VCV004978725.1).

ClinVar aggregate classification (germline): Uncertain significance (1 of 4 stars; one submission).

Conditions:
SH2B1-related disorder. Also called: SH2B1-related condition.

Submission:

PreventionGenetics, part of Exact Sciences
Classification: Uncertain significance for SH2B1-related condition. Last evaluated: 2024-12-18. Review status: criteria provided, single submitter. Criteria: ACMG Guidelines, 2015. Collection method: clinical testing. Allele origin: germline.
Comment: The SH2B1 c.1927delG variant is predicted to result in a frameshift and premature protein termination (p.Val643Cysfs*24). To our knowledge, this variant has not been reported in the literature or in a large population database (gnomAD), indicating this variant is rare. Loss-of-function is not an established mechanism of disease for the SH2B1 gene. At this time, the clinical significance of this variant is uncertain due to the absence of conclusive functional and genetic evidence.